The following is an entry in ClinVar:

NM_025207.5(FLAD1):c.1150C>T (p.Leu384=)

Gene: FLAD1 (flavin adenine dinucleotide synthetase 1; plus strand). Cytogenetic location: 1q21.3.
Variant type: single nucleotide variant.
Coding change: c.1150C>T on transcript NM_025207.5 (MANE Select); coding-DNA position 1150, C replaced by T.
Protein change: p.Leu384=; no amino-acid change (leucine 384 retained).
Molecular consequence: synonymous variant.
Genome position (GRCh38, 1-based): chr1:154,989,592, C>T. VCF-style: chr1-154989592-C-T. GRCh37 (hg19) VCF-style: chr1-154962068-C-T.
Other names: c.859C>T, p.Leu287= (NM_001184891.2, NM_201398.3).
Identifiers: ClinVar variation 751045 (VCV000751045.20), dbSNP rs535077896, ClinGen allele CA1134489.

ClinVar aggregate classification (germline): Likely benign. Review status: criteria provided, multiple submitters, no conflicts (2 of 4 stars). 2 submissions from 2 submitters: Likely benign (2). Last evaluated 2025-10-01.

Allele frequency attached by ClinVar (database versions not stated): ExAC 0.00001; gnomAD 0.00002; gnomAD exomes 0.00002; TOPMed 0.00003.
gnomAD v4.1: 32 of 1,599,902 alleles (0.002%); highest among the groups gnomAD compares: Non-Finnish European, 0.0026%; no homozygotes.

Submissions (2):

CeGaT Center for Human Genetics Tuebingen
Classification: Likely benign. Last evaluated: 2025-10-01. Review status: criteria provided, single submitter. Criteria: CeGaT Center For Human Genetics Tuebingen Variant Classification Criteria Version 2. Collection method: clinical testing. Allele origin: germline. Affected: yes. Observed: 2 variant alleles.
Comment: FLAD1: BP4, BP7

Labcorp Genetics (formerly Invitae), Labcorp
Classification: Likely benign. Last evaluated: 2025-09-03. Review status: criteria provided, single submitter. Criteria: Invitae Variant Classification Sherloc (09022015). Collection method: clinical testing. Allele origin: germline.